The following is an entry in ClinVar:

NM_001267550.2(TTN):c.29962+1G>T

Gene: TTN (titin; minus strand). Cytogenetic location: 2q31.2.
Variant type: single nucleotide variant.
Coding change: c.29962+1G>T on transcript NM_001267550.2 (MANE Select); the canonical splice donor site of the intron after coding-DNA position 29962, G replaced by T.
Molecular consequence: splice donor variant. On other transcripts: intron variant (3).
Genome position (GRCh38, 1-based): chr2:178,704,509, C>A on the plus strand (G>T on the coding strand, the complement: TTN is on the minus strand). VCF-style: chr2-178704509-C-A. GRCh37 (hg19) VCF-style: chr2-179569236-C-A.
Other names: c.13282+33573G>T (NM_003319.4); c.13858+33573G>T (NM_133437.4); c.13657+33573G>T (NM_133432.3); c.26230+1G>T (NM_133378.4); c.29011+1G>T (NM_001256850.1).
Identifiers: ClinVar variation 222866 (VCV000222866.9), dbSNP rs774961188, ClinGen allele CA069979.

ClinVar aggregate classification (germline): Conflicting classifications of pathogenicity. Review status: criteria provided, conflicting classifications (1 of 4 stars). 3 submissions from 3 submitters: Pathogenic (1); Likely pathogenic (1); Uncertain significance (1). Last evaluated 2026-03-11.

Conditions:
Dilated cardiomyopathy 1G (CMD1G). Identifiers: Orphanet 154, MedGen C1858763, MONDO:0011400, OMIM 604145.
Autosomal recessive limb-girdle muscular dystrophy type 2J (LGMDR10). Also called: MUSCULAR DYSTROPHY, LIMB-GIRDLE, AUTOSOMAL RECESSIVE 10; Limb-girdle muscular dystrophy, type 2J. Identifiers: Orphanet 140922, MedGen C1837342, MONDO:0012127, OMIM 608807.

Allele frequency attached by ClinVar (database versions not stated): gnomAD exomes 0.00002 and below 0.00001; ExAC 0.00003.
gnomAD v4.1: 8 of 1,602,594 alleles (0.0005%); highest among the groups gnomAD compares: Non-Finnish European, 0.00051%; no homozygotes.

Submissions (3):

GeneDx
Classification: Likely pathogenic. Last evaluated: 2026-03-11. Review status: criteria provided, single submitter. Criteria: GeneDx Variant Classification Process June 2021. Collection method: clinical testing. Allele origin: germline.
Comment: Canonical splice site variant in a region of a gene for which loss of function is not a well-established mechanism of disease; Not observed at significant frequency in large population cohorts (gnomAD); This variant is associated with the following publications: (PMID: 31660661)

Labcorp Genetics (formerly Invitae), Labcorp
Classification: Pathogenic for Dilated cardiomyopathy 1G; Autosomal recessive limb-girdle muscular dystrophy type 2J. Last evaluated: 2025-06-01. Review status: criteria provided, single submitter. Criteria: Invitae Variant Classification Sherloc (09022015). Collection method: clinical testing. Allele origin: germline.
Comment: This sequence change affects a donor splice site in intron 105 of the TTN gene. It is expected to disrupt RNA splicing and likely results in a truncated or disrupted TTN protein. This variant is present in population databases (rs774961188, gnomAD 0.004%). Disruption of this splice site has been observed in individual(s) with autosomal recessive arthrogryposis multiplex congenita and myopathy (PMID: 31660661). In at least one individual the data is consistent with being in trans (on the opposite chromosome) from a pathogenic variant. ClinVar contains an entry for this variant (Variation ID: 222866). Algorithms developed to predict the effect of sequence changes on RNA splicing suggest that this variant may disrupt the consensus splice site. This variant is located in the I band of TTN (PMID: 25589632). Truncating variants in this region have been reported in individuals affected with autosomal recessive centronuclear myopathy (PMID: 23975875, internal data). Truncating variants in this region have also been identified in individuals affected with autosomal dominant dilated cardiomyopathy and/or cardio-related conditions (PMID: 27869827, 32964742, internal data). For these reasons, this variant has been classified as Pathogenic.

AiLife Diagnostics
Classification: Uncertain significance. Last evaluated: 2021-12-30. Review status: criteria provided, single submitter. Criteria: ACMG Guidelines, 2015. Collection method: clinical testing. Allele origin: germline. Affected: yes. Observed: 1 variant allele.

Literature cited by the submitters: PubMed 31660661 (cited by Labcorp Genetics (formerly Invitae), Labcorp and AiLife Diagnostics); PubMed 25589632 (cited by Labcorp Genetics (formerly Invitae), Labcorp); PubMed 23975875 (cited by Labcorp Genetics (formerly Invitae), Labcorp); PubMed 27869827 (cited by Labcorp Genetics (formerly Invitae), Labcorp); PubMed 32964742 (cited by Labcorp Genetics (formerly Invitae), Labcorp).